The following is an entry in ClinVar:

NM_000020.3(ACVRL1):c.625+5G>T

Gene: ACVRL1 (activin A receptor like type 1; plus strand). Cytogenetic location: 12q13.13.
Variant type: single nucleotide variant.
Coding change: c.625+5G>T on transcript NM_000020.3 (MANE Select); 5 bases into the intron after coding-DNA position 625, G replaced by T.
Molecular consequence: intron variant.
Genome position (GRCh38, 1-based): chr12:51,914,078, G>T. VCF-style: chr12-51914078-G-T. GRCh37 (hg19) VCF-style: chr12-52307862-G-T.
Other names: c.625+5G>T (NM_001077401.2).
Identifiers: ClinVar variation 1371525 (VCV001371525.6), dbSNP rs2139069022, ClinGen allele CA2573148779.

ClinVar aggregate classification (germline): Uncertain significance (1 of 4 stars; one submission).

Conditions:
Telangiectasia, hereditary hemorrhagic, type 2 (HHT2). Also called: ACVRL1-Related Hereditary Hemorrhagic Telangiectasia; Telangiectasia, hereditary hemorrhagic, type II. Identifiers: Orphanet 774, MedGen C1838163, MONDO:0010880, OMIM 600376. Disease mechanism: loss of function.

Submission:

Labcorp Genetics (formerly Invitae), Labcorp
Classification: Uncertain significance for Telangiectasia, hereditary hemorrhagic, type 2. Last evaluated: 2021-08-01. Review status: criteria provided, single submitter. Criteria: Invitae Variant Classification Sherloc (09022015). Collection method: clinical testing. Allele origin: germline.
Comment: In summary, the available evidence is currently insufficient to determine the role of this variant in disease. Therefore, it has been classified as a Variant of Uncertain Significance. Variants that disrupt the consensus splice site are a relatively common cause of aberrant splicing (PMID: 17576681, 9536098). Algorithms developed to predict the effect of sequence changes on RNA splicing suggest that this variant may disrupt the consensus splice site. This variant has been observed in individual(s) with clinical features of hereditary hemorrhagic telangiectasia (Invitae). This variant is not present in population databases (ExAC no frequency). This sequence change falls in intron 5 of the ACVRL1 gene. It does not directly change the encoded amino acid sequence of the ACVRL1 protein. It affects a nucleotide within the consensus splice site of the intron.

Literature cited by the submitters: PubMed 17576681; PubMed 9536098.